The following is an entry in ClinVar:

NM_015450.3(POT1):c.552G>A (p.Trp184Ter)

Gene: POT1 (protection of telomeres 1; minus strand). Cytogenetic location: 7q31.33.
Variant type: single nucleotide variant.
Coding change: c.552G>A on transcript NM_015450.3 (MANE Select); coding-DNA position 552, G replaced by A.
Protein change: p.Trp184Ter; replaces tryptophan 184 with a stop codon.
Molecular consequence: nonsense. On other transcripts: non-coding transcript variant (3).
Genome position (GRCh38, 1-based): chr7:124,859,107, C>T on the plus strand (G>A on the coding strand, the complement: POT1 is on the minus strand). VCF-style: chr7-124859107-C-T. GRCh37 (hg19) VCF-style: chr7-124499161-C-T.
Other names: c.159G>A, p.Trp53Ter (NM_001042594.2); short protein forms W184*, W53*.
Identifiers: ClinVar variation 825809 (VCV000825809.4), dbSNP rs1202302799, ClinGen allele CA369056831.

ClinVar aggregate classification (germline): Pathogenic (1 of 4 stars; one submission).

Conditions:
Hereditary cancer-predisposing syndrome. Also called: Neoplastic Syndromes, Hereditary; Tumor predisposition; Hereditary neoplastic syndrome; Hereditary Cancer Syndrome. Identifiers: Orphanet 140162, MedGen C0027672, MeSH D009386, MONDO:0015356.

Allele frequency attached by ClinVar (database versions not stated): gnomAD exomes below 0.00001.
gnomAD v4.1: 1 of 1,583,572 alleles (0.000063%); highest among the groups gnomAD compares: South Asian, 0.0012%; no homozygotes.

Submission:

Ambry Genetics
Classification: Pathogenic for Hereditary cancer-predisposing syndrome. Last evaluated: 2019-10-11. Review status: criteria provided, single submitter. Criteria: Ambry Variant Classification Scheme 2023. Collection method: clinical testing. Allele origin: germline.
Comment: The p.W184* pathogenic mutation (also known as c.552G>A), located in coding exon 5 of the POT1 gene, results from a G to A substitution at nucleotide position 552. This changes the amino acid from a tryptophan to a stop codon within coding exon 5. This alteration is expected to result in loss of function by premature protein truncation or nonsense-mediated mRNA decay. As such, this alteration is interpreted as a disease-causing mutation.